The following is an entry in ClinVar:

ClinVar aggregate classification (germline): Uncertain significance (1 of 4 stars; one submission).

Allele frequency attached by ClinVar (database versions not stated): gnomAD exomes 0.00001.
gnomAD v4.1: 7 of 1,613,876 alleles (0.00043%); highest among the groups gnomAD compares: Non-Finnish European, 0.00059%; no homozygotes.

Submission:

Labcorp Genetics (formerly Invitae), Labcorp
Classification: Uncertain significance. Last evaluated: 2022-05-11. Review status: criteria provided, single submitter. Criteria: Invitae Variant Classification Sherloc (09022015). Collection method: clinical testing. Allele origin: germline.
Comment: This sequence change replaces arginine, which is basic and polar, with serine, which is neutral and polar, at codon 799 of the NCKAP1L protein (p.Arg799Ser). This variant is not present in population databases (gnomAD no frequency). This variant has not been reported in the literature in individuals affected with NCKAP1L-related conditions. Algorithms developed to predict the effect of missense changes on protein structure and function are either unavailable or do not agree on the potential impact of this missense change (SIFT: "Deleterious"; PolyPhen-2: "Possibly Damaging"; Align-GVGD: "Class C0"). In summary, the available evidence is currently insufficient to determine the role of this variant in disease. Therefore, it has been classified as a Variant of Uncertain Significance.

NM_005337.5(NCKAP1L):c.2397A>T (p.Arg799Ser)

Gene: NCKAP1L (NCK associated protein 1 like; plus strand). Cytogenetic location: 12q13.2.
Variant type: single nucleotide variant.
Coding change: c.2397A>T on transcript NM_005337.5 (MANE Select); coding-DNA position 2397, A replaced by T.
Protein change: p.Arg799Ser; replaces arginine 799 with serine.
Molecular consequence: missense variant.
Genome position (GRCh38, 1-based): chr12:54,528,268, A>T. VCF-style: chr12-54528268-A-T. GRCh37 (hg19) VCF-style: chr12-54922052-A-T.
Other names: c.2247A>T, p.Arg749Ser (NM_001184976.2); short protein forms R749S, R799S.
Identifiers: ClinVar variation 1924526 (VCV001924526.2), dbSNP rs2498619775, ClinGen allele CA385141125.